The following is an entry in ClinVar:

ClinVar aggregate classification (germline): Likely pathogenic. Review status: criteria provided, multiple submitters, no conflicts (2 of 4 stars). 3 submissions from 3 submitters: Likely pathogenic (2). 1 of the submissions does not count toward it. Last evaluated 2026-03-22.

Conditions:
CACNA1F-related disorder. Also called: CACNA1F-related condition.

Submissions (3):

GeneDx
Classification: Likely pathogenic. Last evaluated: 2026-03-22. Review status: criteria provided, single submitter. Criteria: GeneDx Variant Classification Process June 2021. Collection method: clinical testing. Allele origin: germline.
Comment: Not observed at significant frequency in large population cohorts (gnomAD); In silico analysis supports that this missense variant has a deleterious effect on protein structure/function; Also known as c.4462T>C p.(C1488R) (PMID: 12111638); This variant is associated with the following publications: (PMID: 12111638, 37734845)

Institute of Medical Genetics and Applied Genomics, University Hospital Tübingen
Classification: Likely pathogenic. Last evaluated: 2021-06-17. Review status: criteria provided, single submitter. Criteria: ACMG Guidelines, 2015. Collection method: clinical testing. Allele origin: germline. Inheritance: X-linked recessive inheritance. Affected: yes.

PreventionGenetics, part of Exact Sciences
Classification: Likely pathogenic for CACNA1F-related condition. Last evaluated: 2024-05-14. Review status: no assertion criteria provided. Collection method: clinical testing. Allele origin: germline. Not counted in ClinVar's aggregate classification.
Comment: The CACNA1F c.4495T>C variant is predicted to result in the amino acid substitution p.Cys1499Arg. This variant, also referred to as c.4462T>C (p.Cys1488Arg) by a different transcript NM_001256789, has been reported in four males from one family with incomplete congenital stationary night blindness (family R11, Table 1. Wutz et al 2002. PubMed ID: 12111638). This variant has not been reported in a large population database, indicating this variant is rare. This variant is interpreted as likely pathogenic.

NM_001256789.3(CACNA1F):c.4462T>C (p.Cys1488Arg)

Gene: CACNA1F (calcium voltage-gated channel subunit alpha1 F; minus strand). Cytogenetic location: Xp11.23.
Variant type: single nucleotide variant.
Coding change: c.4462T>C on transcript NM_001256789.3 (MANE Select); coding-DNA position 4462, T replaced by C.
Protein change: p.Cys1488Arg; replaces cysteine 1488 with arginine.
Molecular consequence: missense variant.
Genome position (GRCh38, 1-based): chrX:49,210,613, A>G on the plus strand (T>C on the coding strand, the complement: CACNA1F is on the minus strand). VCF-style: chrX-49210613-A-G. GRCh37 (hg19) VCF-style: chrX-49067073-A-G.
Other names: c.4300T>C, p.Cys1434Arg (NM_001256790.3); c.4495T>C, p.Cys1499Arg (NM_005183.4); c.4495T>C (NM_005183.3, NM_005183.2); short protein forms C1434R, C1488R, C1499R.
Identifiers: ClinVar variation 1184973 (VCV001184973.4), dbSNP rs2147896131, ClinGen allele CA412960968.